The following is an entry in ClinVar:

NM_002609.4(PDGFRB):c.1118C>T (p.Ser373Leu)

Gene: PDGFRB (platelet derived growth factor receptor beta; minus strand). Cytogenetic location: 5q32.
Variant type: single nucleotide variant.
Coding change: c.1118C>T on transcript NM_002609.4 (MANE Select); coding-DNA position 1118, C replaced by T.
Protein change: p.Ser373Leu; replaces serine 373 with leucine.
Molecular consequence: missense variant.
Genome position (GRCh38, 1-based): chr5:150,132,759, G>A on the plus strand (C>T on the coding strand, the complement: PDGFRB is on the minus strand). VCF-style: chr5-150132759-G-A. GRCh37 (hg19) VCF-style: chr5-149512322-G-A.
Other names: c.926C>T, p.Ser309Leu (NM_001355016.2); c.635C>T, p.Ser212Leu (NM_001355017.2); short protein forms S212L, S309L, S373L.
Identifiers: ClinVar variation 3371136 (VCV003371136.4).

ClinVar aggregate classification (germline): Conflicting classifications of pathogenicity. Review status: criteria provided, conflicting classifications (1 of 4 stars). 3 submissions from 3 submitters: Uncertain significance (2); Likely benign (1). Last evaluated 2025-12-21.

Conditions:
Myofibromatosis, infantile, 1. Also called: Myofibromatosis, juvenile. Identifiers: Orphanet 2591, MedGen C4551572, MONDO:0009227, OMIM 228550.
Skeletal overgrowth-craniofacial dysmorphism-hyperelastic skin-white matter lesions syndrome. Also called: SKELETAL OVERGROWTH WITH FACIAL DYSMORPHISM, HYPERELASTIC SKIN, WHITE MATTER LESIONS, AND NEUROLOGIC DETERIORATION; Kosaki overgrowth syndrome. Identifiers: Orphanet 477831, MedGen C4225270, MONDO:0014704, OMIM 616592.
Infantile myofibromatosis (IMF). Also called: Congenital generalized fibromatosis. Identifiers: Orphanet 2591, MedGen C0432284, MONDO:0016824.
Basal ganglia calcification, idiopathic, 4 (PFBC4). Also called: Familial Idiopathic Basal Ganglia Calcification 4; PRIMARY FAMILIAL BRAIN CALCIFICATION 4, AUTOSOMAL DOMINANT. Identifiers: Orphanet 1980, MedGen C3554321, MONDO:0014004, OMIM 615007.
Acroosteolysis-keloid-like lesions-premature aging syndrome. Also called: Premature aging syndrome, Penttinen type; Prematurely aged appearance, delayed bone maturation, acro-osteolysis, and brachydactyly; Progeroid syndrome, Penttinen type. Identifiers: Orphanet 363665, MedGen C1866182, MONDO:0011150, OMIM 601812.

gnomAD v4.1: 15 of 1,612,584 alleles (0.00093%); highest among the groups gnomAD compares: African/African-American, 0.008%; no homozygotes.

Submissions (3):

Clinical Genomics Laboratory, Washington University in St. Louis
Classification: Uncertain significance for Skeletal overgrowth-craniofacial dysmorphism-hyperelastic skin-white matter lesions syndrome; Myofibromatosis, infantile, 1. Last evaluated: 2025-12-21. Review status: criteria provided, single submitter. Criteria: ACMG Guidelines, 2015. Collection method: clinical testing. Allele origin: germline.
Comment: A PDGFRB c.1118C>T (p.Ser373Leu) variant was identified at a near heterozygous allelic fraction of 46.4%, a frequency which may be consistent with it being of germline origin. This variant, to our knowledge, has not been reported in the medical literature but has been reported in the ClinVar database as a germline variant of uncertain significance by one submitter (ClinVar variation ID: 3371136). It is only observed on 15/1,612,584 alleles in the general population (gnomAD v4.1.0), indicating it is not a common variant. Computational predictors suggest that the variant does not impact PDGFRB function. Due to limited information, and based on ACMG/AMP guidelines for variant interpretation (Richards S et al., PMID: 25741868), the clinical significance of this variant is uncertain at this time.

Labcorp Genetics (formerly Invitae), Labcorp
Classification: Likely benign for Basal ganglia calcification, idiopathic, 4; Skeletal overgrowth-craniofacial dysmorphism-hyperelastic skin-white matter lesions syndrome; Infantile myofibromatosis; Acroosteolysis-keloid-like lesions-premature aging syndrome. Last evaluated: 2025-06-12. Review status: criteria provided, single submitter. Criteria: Invitae Variant Classification Sherloc (09022015). Collection method: clinical testing. Allele origin: germline.

GeneDx
Classification: Uncertain significance. Last evaluated: 2025-02-02. Review status: criteria provided, single submitter. Criteria: GeneDx Variant Classification Process June 2021. Collection method: clinical testing. Allele origin: germline. Affected: yes.
Comment: In silico analysis supports that this missense variant has a deleterious effect on protein structure/function; Has not been previously published as pathogenic or benign to our knowledge

Literature cited by the submitters: uncertain (cited by Clinical Genomics Laboratory, Washington University in St. Louis).